The following is an entry in ClinVar:

NM_203446.3(SYNJ1):c.*443G>A

Gene: SYNJ1 (synaptojanin 1; minus strand). Cytogenetic location: 21q22.11.
Variant type: single nucleotide variant.
Coding change: c.*443G>A on transcript NM_203446.3 (MANE Select); 443 bases downstream of the stop codon, G replaced by A.
Molecular consequence: 3 prime UTR variant. On other transcripts: missense variant (2).
Genome position (GRCh38, 1-based): chr21:32,631,362, C>T on the plus strand (G>A on the coding strand, the complement: SYNJ1 is on the minus strand). VCF-style: chr21-32631362-C-T. GRCh37 (hg19) VCF-style: chr21-34003672-C-T.
Other names: p.Ser1491Asn; c.*443G>A (NM_001160302.2); c.4214G>A, p.Ser1405Asn (NM_001160306.2); c.4472G>A, p.Ser1491Asn (NM_003895.4); short protein forms S1405N, S1491N.
Identifiers: ClinVar variation 1147907 (VCV001147907.10), dbSNP rs532034867, ClinGen allele CA10003120.
Genomic context (GRCh38, chr21:32,631,362, plus strand): 5'-GTAGACTGGCCCTGTAGATCAAAACTGTCCTTAAAGCCATCAAGTGAAGATGAAGCCCTG[C>T]TTTTGTTATGACCAAGAGGCTGCAGAGAAGGGAAAGGACTGATAGTAACGGGCTCTTCTT-3'

ClinVar aggregate classification (germline): Conflicting classifications of pathogenicity. Review status: criteria provided, conflicting classifications (1 of 4 stars). 2 submissions from 2 submitters: Uncertain significance (1); Likely benign (1). Last evaluated 2025-07-14.

Conditions:
Developmental and epileptic encephalopathy, 53. Also called: Epileptic encephalopathy, early infantile, 53. Identifiers: MedGen C4479313, MONDO:0033362, OMIM 617389.
Early-onset Parkinson disease 20. Also called: PARKINSON DISEASE 20, AUTOSOMAL RECESSIVE EARLY-ONSET. Identifiers: Orphanet 391411, MedGen C3809824, MONDO:0014233, OMIM 615530.

Allele frequency attached by ClinVar (database versions not stated): gnomAD exomes 0.00036 and 0.00017; gnomAD 0.00037 and 0.00036; ExAC 0.00039; TOPMed 0.00006.
gnomAD v4.1: 308 of 1,614,162 alleles (0.019%); highest among the groups gnomAD compares: East Asian, 0.011%; no homozygotes.

Submissions (2):

Labcorp Genetics (formerly Invitae), Labcorp
Classification: Likely benign for Developmental and epileptic encephalopathy, 53; Early-onset Parkinson disease 20. Last evaluated: 2025-07-14. Review status: criteria provided, single submitter. Criteria: Invitae Variant Classification Sherloc (09022015). Collection method: clinical testing. Allele origin: germline.

Mayo Clinic Laboratories, Mayo Clinic
Classification: Uncertain significance. Last evaluated: 2023-03-09. Review status: criteria provided, single submitter. Criteria: ACMG Guidelines, 2015. Collection method: clinical testing. Allele origin: germline. Observed: 1 variant allele.
Comment: BP4